The following is an entry in ClinVar:

ClinVar aggregate classification (germline): Uncertain significance (1 of 4 stars; one submission).

Conditions:
Kabuki syndrome. Also called: NIIKAWA-KUROKI SYNDROME; Kabuki make-up syndrome. Identifiers: Orphanet 2322, MedGen C0796004, MONDO:0016512.

gnomAD v4.1: 1 of 1,560,844 alleles (0.000064%); highest among the groups gnomAD compares: Non-Finnish European, 0.000087%; no homozygotes.

Submission:

Labcorp Genetics (formerly Invitae), Labcorp
Classification: Uncertain significance for Kabuki syndrome. Last evaluated: 2024-09-03. Review status: criteria provided, single submitter. Criteria: Invitae Variant Classification Sherloc (09022015). Collection method: clinical testing. Allele origin: germline.
Comment: This sequence change replaces proline, which is neutral and non-polar, with serine, which is neutral and polar, at codon 3291 of the KMT2D protein (p.Pro3291Ser). This variant is not present in population databases (gnomAD no frequency). This variant has not been reported in the literature in individuals affected with KMT2D-related conditions. Invitae Evidence Modeling of protein sequence and biophysical properties (such as structural, functional, and spatial information, amino acid conservation, physicochemical variation, residue mobility, and thermodynamic stability) indicates that this missense variant is not expected to disrupt KMT2D protein function with a negative predictive value of 95%. In summary, the available evidence is currently insufficient to determine the role of this variant in disease. Therefore, it has been classified as a Variant of Uncertain Significance.

NM_003482.4(KMT2D):c.9871C>T (p.Pro3291Ser)

Gene: KMT2D (lysine methyltransferase 2D; minus strand). Cytogenetic location: 12q13.12.
Variant type: single nucleotide variant.
Coding change: c.9871C>T on transcript NM_003482.4 (MANE Select); coding-DNA position 9871, C replaced by T.
Protein change: p.Pro3291Ser; replaces proline 3291 with serine.
Molecular consequence: missense variant.
Genome position (GRCh38, 1-based): chr12:49,037,485, G>A on the plus strand (C>T on the coding strand, the complement: KMT2D is on the minus strand). VCF-style: chr12-49037485-G-A. GRCh37 (hg19) VCF-style: chr12-49431268-G-A.
Other names: short protein forms P3291S.
Identifiers: ClinVar variation 3635125 (VCV003635125.2).